The following is an entry in ClinVar:

ClinVar aggregate classification (germline): Pathogenic/Likely pathogenic. Review status: criteria provided, multiple submitters, no conflicts (2 of 4 stars). 3 submissions from 3 submitters: Pathogenic (1); Likely pathogenic (2). Last evaluated 2024-01-25.

Conditions:
Metachromatic leukodystrophy (MLD). Also called: ARSA DEFICIENCY; Cerebral sclerosis diffuse metachromatic form; Arylsulfatase A Deficiency; SULFATIDE LIPIDOSIS; CEREBROSIDE SULFATASE DEFICIENCY; METACHROMATIC LEUKOENCEPHALOPATHY. Identifiers: Orphanet 512, MedGen C0023522, MONDO:0018868, OMIM 250100.

Submissions (3):

Labcorp Genetics (formerly Invitae), Labcorp
Classification: Pathogenic for Metachromatic leukodystrophy. Last evaluated: 2024-01-25. Review status: criteria provided, single submitter. Criteria: Invitae Variant Classification Sherloc (09022015). Collection method: clinical testing. Allele origin: germline.
Comment: This sequence change creates a premature translational stop signal (p.Leu429Argfs*31) in the ARSA gene. While this is not anticipated to result in nonsense mediated decay, it is expected to disrupt the last 81 amino acid(s) of the ARSA protein. This variant is not present in population databases (gnomAD no frequency). This variant has not been reported in the literature in individuals affected with ARSA-related conditions. ClinVar contains an entry for this variant (Variation ID: 1705732). Algorithms developed to predict the effect of sequence changes on RNA splicing suggest that this variant may disrupt the consensus splice site. This variant disrupts a region of the ARSA protein in which other variant(s) (p.Cys491Gly) have been determined to be pathogenic (PMID: 15026521; Invitae). This suggests that this is a clinically significant region of the protein, and that variants that disrupt it are likely to be disease-causing. For these reasons, this variant has been classified as Pathogenic.

Revvity Omics, Revvity
Classification: Likely pathogenic for Metachromatic leukodystrophy. Last evaluated: 2022-12-14. Review status: criteria provided, single submitter. Criteria: ACMG Guidelines, 2015. Collection method: clinical testing. Allele origin: germline.

3billion
Classification: Likely pathogenic for Metachromatic leukodystrophy. Last evaluated: 2022-09-01. Review status: criteria provided, single submitter. Criteria: ACMG Guidelines, 2015. Collection method: clinical testing. Allele origin: germline. Affected: yes. Observed: 1 homozygote.
Comment: The variant is not observed in the gnomAD v2.1.1 dataset. It is predicted to result in a loss or disruption of normal protein function through protein truncation. The predicted truncated protein may be shortened by more than 10%. The variant has been reported to be associated with ARSA -related disorder (3billion dataset). Therefore, this variant is classified as Likely pathogenic according to the recommendation of ACMG/AMP guideline.

Literature cited by the submitters: PubMed 15026521 (cited by Labcorp Genetics (formerly Invitae), Labcorp).

NM_000487.6(ARSA):c.1282_1283dup (p.Leu429fs)

Gene: ARSA (arylsulfatase A; minus strand). Cytogenetic location: 22q13.33.
Variant type: Duplication.
Coding change: c.1282_1283dup on transcript NM_000487.6 (MANE Select); coding-DNA positions 1282 to 1283, 2 bases duplicated (CC; older notation c.1282_1283dupCC).
Protein change: p.Leu429fs; shifts the reading frame from leucine 429.
Molecular consequence: frameshift variant.
Genome position (GRCh38, 1-based): chr22:50,625,392-50,625,393, GG duplicated on the plus strand (CC on the coding strand, the reverse complement: ARSA is on the minus strand); duplicating any 2 consecutive bases within chr22:50,625,392-50,625,396 gives the same sequence; the c. name uses the placement nearest the transcript's 3' end. VCF-style (leftmost placement, unchanged base first): chr22-50625391-C-CGG. GRCh37 (hg19) VCF-style: chr22-51063819-C-CGG.
Other names: c.1282_1283dup, p.Leu429fs (NM_001085425.3, NM_001085426.3, NM_001085427.3); c.1024_1025dup, p.Leu343fs (NM_001085428.3, NM_001362782.2); short protein forms L343fs, L429fs.
Identifiers: ClinVar variation 1705732 (VCV001705732.7), dbSNP rs2518322313, ClinGen allele CA2580100053.